The following is an entry in ClinVar:

ClinVar aggregate classification (germline): Uncertain significance (1 of 4 stars; one submission).

Conditions:
Hereditary cancer-predisposing syndrome. Also called: Hereditary Cancer Syndrome; Hereditary neoplastic syndrome; Neoplastic Syndromes, Hereditary; Tumor predisposition. Identifiers: Orphanet 140162, MedGen C0027672, MeSH D009386, MONDO:0015356.

Submission:

Ambry Genetics
Classification: Uncertain significance for Hereditary cancer-predisposing syndrome. Last evaluated: 2026-08-20. Review status: criteria provided, single submitter. Criteria: Ambry Variant Classification Scheme 2023. Collection method: clinical testing. Allele origin: germline.
Comment: The p.E225A variant (also known as c.674A>C), located in coding exon 6 of the TSC1 gene, results from an A to C substitution at nucleotide position 674. The glutamic acid at codon 225 is replaced by alanine, an amino acid with dissimilar properties. This amino acid position is highly conserved in available vertebrate species. In addition, this alteration is predicted to be deleterious by in silico analysis. Based on the available evidence, the clinical significance of this variant remains unclear.

NM_000368.5(TSC1):c.674A>C (p.Glu225Ala)

Gene: TSC1 (TSC complex subunit 1; minus strand). Cytogenetic location: 9q34.13.
Variant type: single nucleotide variant.
Coding change: c.674A>C on transcript NM_000368.5 (MANE Select); coding-DNA position 674, A replaced by C.
Protein change: p.Glu225Ala; replaces glutamic acid 225 with alanine.
Molecular consequence: missense variant.
Genome position (GRCh38, 1-based): chr9:132,921,426, T>G on the plus strand (A>C on the coding strand, the complement: TSC1 is on the minus strand). VCF-style: chr9-132921426-T-G. GRCh37 (hg19) VCF-style: chr9-135796813-T-G.
Other names: c.674A>C, p.Glu225Ala (NM_001162426.2, NM_001406592.1, NM_001406593.1 and 16 more transcripts); c.521A>C, p.Glu174Ala (NM_001162427.2, NM_001406610.1, NM_001406611.1 and 2 more transcripts); c.311A>C, p.Glu104Ala (NM_001362177.2, NM_001406617.1, NM_001406618.1 and 10 more transcripts); c.-420A>C (NM_001406630.1); short protein forms E174A, E104A, E225A.
Identifiers: ClinVar variation 1755212 (VCV001755212.3), dbSNP rs2538998176, ClinGen allele CA375371492.
Genomic context (GRCh38, chr9:132,921,426, plus strand): 5'-CGAGGGTCCAGTTCATGGTCCTTGGATCCAGTCACTAATTCCGGATGAATTCGCACATGC[T>G]CCATCATTGGCTAGAAGAGTTGGGTTGACAAATTATAAAGGGCTGAATGTTTGTGGAACA-3'
Protein context (NP_000359.1, residues 215-235): TFEEVVKPMM[Glu225Ala]HVRIHPELVT